The following is an entry in ClinVar:

ClinVar aggregate classification (germline): Uncertain significance (1 of 4 stars; one submission).

Conditions:
Neurofibromatosis, type 1 (NF1). Also called: Neurofibromatosis, type I; VON RECKLINGHAUSEN DISEASE; NEUROFIBROMATOSIS, TYPE I, SOMATIC; Peripheral type neurofibromatosis. Identifiers: Orphanet 636, MedGen C0027831, MONDO:0018975, OMIM 162200. Disease mechanism: loss of function.

Submission:

Labcorp Genetics (formerly Invitae), Labcorp
Classification: Uncertain significance for Neurofibromatosis, type 1. Last evaluated: 2025-09-07. Review status: criteria provided, single submitter. Criteria: Invitae Variant Classification Sherloc (09022015). Collection method: clinical testing. Allele origin: germline.
Comment: This sequence change falls in intron 8 of the NF1 gene. It does not directly change the encoded amino acid sequence of the NF1 protein. This variant is not present in population databases (gnomAD no frequency). This variant has not been reported in the literature in individuals affected with NF1-related conditions. Algorithms developed to predict the effect of sequence changes on RNA splicing suggest that this variant may disrupt the consensus splice site. In summary, the available evidence is currently insufficient to determine the role of this variant in disease. Therefore, it has been classified as a Variant of Uncertain Significance.

NM_001042492.3(NF1):c.889-14T>A

Gene: NF1 (neurofibromin 1; plus strand). Cytogenetic location: 17q11.2.
Variant type: single nucleotide variant.
Coding change: c.889-14T>A on transcript NM_001042492.3 (MANE Select); 14 bases into the intron before coding-DNA position 889, T replaced by A.
Molecular consequence: intron variant.
Genome position (GRCh38, 1-based): chr17:31,200,408, T>A. VCF-style: chr17-31200408-T-A. GRCh37 (hg19) VCF-style: chr17-29527426-T-A.
Other names: c.889-14T>A (NM_000267.4, NM_001128147.3).
Identifiers: ClinVar variation 4771684 (VCV004771684.1).